The following is an entry in ClinVar:

ClinVar aggregate classification (germline): Uncertain significance (1 of 4 stars; one submission).

Conditions:
Hereditary cancer-predisposing syndrome. Also called: Neoplastic Syndromes, Hereditary; Tumor predisposition; Hereditary neoplastic syndrome; Hereditary Cancer Syndrome. Identifiers: Orphanet 140162, MedGen C0027672, MeSH D009386, MONDO:0015356.

Submission:

Ambry Genetics
Classification: Uncertain significance for Hereditary cancer-predisposing syndrome. Last evaluated: 2023-02-23. Review status: criteria provided, single submitter. Criteria: Ambry Variant Classification Scheme 2023. Collection method: clinical testing. Allele origin: germline.
Comment: The p.S1274Y variant (also known as c.3821C>A), located in coding exon 23 of the PTCH1 gene, results from a C to A substitution at nucleotide position 3821. The serine at codon 1274 is replaced by tyrosine, an amino acid with dissimilar properties. This amino acid position is conserved. In addition, this alteration is predicted to be tolerated by in silico analysis. Since supporting evidence is limited at this time, the clinical significance of this alteration remains unclear.

NM_000264.5(PTCH1):c.3821C>A (p.Ser1274Tyr)

Gene: PTCH1 (patched 1; minus strand). Cytogenetic location: 9q22.32.
Variant type: single nucleotide variant.
Coding change: c.3821C>A on transcript NM_000264.5 (MANE Select); coding-DNA position 3821, C replaced by A.
Protein change: p.Ser1274Tyr; replaces serine 1274 with tyrosine.
Molecular consequence: missense variant. On other transcripts: non-coding transcript variant (1).
Genome position (GRCh38, 1-based): chr9:95,447,435, G>T on the plus strand (C>A on the coding strand, the complement: PTCH1 is on the minus strand). VCF-style: chr9-95447435-G-T. GRCh37 (hg19) VCF-style: chr9-98209717-G-T.
Other names: c.3623C>A, p.Ser1208Tyr (NM_001083602.3); c.3818C>A, p.Ser1273Tyr (NM_001083603.3); c.3368C>A, p.Ser1123Tyr (NM_001083604.3, NM_001083605.3, NM_001083606.3 and 1 more transcripts); c.3665C>A, p.Ser1222Tyr (NM_001354918.2); short protein forms S1123Y, S1208Y, S1222Y, S1273Y, S1274Y.
Identifiers: ClinVar variation 3231029 (VCV003231029.1), dbSNP rs2538003359, ClinGen allele CA374110855.